The following is an entry in ClinVar:

ClinVar aggregate classification (germline): Likely benign (1 of 4 stars; one submission).

Conditions:
Pheochromocytoma/paraganglioma syndrome 5. Also called: Paragangliomas 5; SDHA-Related Hereditary Paraganglioma-Pheochromocytoma Syndrome. Identifiers: Orphanet 29072, MedGen C3279992, MONDO:0013602, OMIM 614165.

gnomAD v4.1: 1 of 1,575,042 alleles (0.000063%); highest among the groups gnomAD compares: African/African-American, 0.0014%; no homozygotes.

Submission:

Myriad Genetics, Inc.
Classification: Likely benign for Pheochromocytoma/paraganglioma syndrome 5. Last evaluated: 2025-03-11. Review status: criteria provided, single submitter. Criteria: Myriad Autosomal Dominant, Autosomal Recessive and X-Linked Classification Criteria (2023). Collection method: clinical testing. Allele origin: unknown.
Comment: This variant is considered likely benign. This variant is intronic and is not expected to impact mRNA splicing.

NM_004168.4(SDHA):c.1795-20G>T

Gene: SDHA (succinate dehydrogenase complex flavoprotein subunit A; plus strand). Cytogenetic location: 5p15.33.
Variant type: single nucleotide variant.
Coding change: c.1795-20G>T on transcript NM_004168.4 (MANE Select); 20 bases into the intron before coding-DNA position 1795, G replaced by T.
Molecular consequence: intron variant.
Genome position (GRCh38, 1-based): chr5:254,373, G>T. VCF-style: chr5-254373-G-T. GRCh37 (hg19) VCF-style: chr5-254488-G-T.
Other names: c.1552-20G>T (NM_001330758.2); c.1651-20G>T (NM_001294332.2).
Identifiers: ClinVar variation 3904483 (VCV003904483.1).
Genomic context (GRCh38, chr5:254,373, plus strand): 5'-GATCATGTTAATGTCTGCTGTGTTTTTTCTGTATTGCTCTGTTAGAGTAATAAGAAACGT[G>T]ATGGTGTTTCTGGCCTCAGGTGCGGATTGATGAGTACGATTACTCCAAGCCCATCCAGGG-3'